The following is an entry in ClinVar:

NM_004380.3(CREBBP):c.1145T>C (p.Leu382Pro)

Gene: CREBBP (CREB binding protein; minus strand). Cytogenetic location: 16p13.3.
Variant type: single nucleotide variant.
Coding change: c.1145T>C on transcript NM_004380.3 (MANE Select); coding-DNA position 1145, T replaced by C.
Protein change: p.Leu382Pro; replaces leucine 382 with proline.
Molecular consequence: missense variant.
Genome position (GRCh38, 1-based): chr16:3,793,457, A>G on the plus strand (T>C on the coding strand, the complement: CREBBP is on the minus strand). VCF-style: chr16-3793457-A-G. GRCh37 (hg19) VCF-style: chr16-3843458-A-G.
Other names: c.1145T>C, p.Leu382Pro (NM_001079846.1); short protein forms L382P.
Identifiers: ClinVar variation 2443522 (VCV002443522.1), dbSNP rs2141285464, ClinGen allele CA394562724.

ClinVar aggregate classification (germline): Uncertain significance (1 of 4 stars; one submission).

Submission:

GeneDx
Classification: Uncertain significance. Last evaluated: 2022-09-09. Review status: criteria provided, single submitter. Criteria: GeneDx Variant Classification Process June 2021. Collection method: clinical testing. Allele origin: germline. Affected: yes.
Comment: Not observed at significant frequency in large population cohorts (gnomAD); In silico analysis supports that this missense variant has a deleterious effect on protein structure/function; Has not been previously published as pathogenic or benign to our knowledge